The following is an entry in ClinVar:

ClinVar aggregate classification (germline): Conflicting classifications of pathogenicity. Review status: criteria provided, conflicting classifications (1 of 4 stars). 12 submissions from 12 submitters: Uncertain significance (1); Benign (4); Likely benign (5). 2 of the submissions do not count toward it. Last evaluated 2026-02-01.

Conditions:
Dystrophin deficiency.
Cardiovascular phenotype. Identifiers: MedGen CN230736.
Becker muscular dystrophy (BMD). Also called: Becker Muscular Dystrophy (BMD); MUSCULAR DYSTROPHY, PSEUDOHYPERTROPHIC PROGRESSIVE, BECKER TYPE. Identifiers: Orphanet 98895, MedGen C0917713, MONDO:0010311, OMIM 300376.
Duchenne muscular dystrophy (DMD). Also called: Duchenne Muscular Dystrophy (DMD); MUSCULAR DYSTROPHY, PSEUDOHYPERTROPHIC PROGRESSIVE, DUCHENNE TYPE. Identifiers: Orphanet 98896, MedGen C0013264, MONDO:0010679, OMIM 310200.

Allele frequency attached by ClinVar (database versions not stated): ESP Exome Variant Server 0.00009; gnomAD 0.00010 and 0.00020; gnomAD exomes 0.00016 and 0.00047; TOPMed 0.00020; ExAC 0.00051; 1000 Genomes Project 30x 0.00166; 1000 Genomes Project 0.00185.
gnomAD v4.1: 197 of 1,205,363 alleles (0.016%); highest among the groups gnomAD compares: East Asian, 0.44%; no homozygotes.

Submissions (12):

Labcorp Genetics (formerly Invitae), Labcorp
Classification: Benign for Duchenne muscular dystrophy. Last evaluated: 2026-02-01. Review status: criteria provided, single submitter. Criteria: Invitae Variant Classification Sherloc (09022015). Collection method: clinical testing. Allele origin: germline.

Blueprint Genetics
Classification: Likely benign. Last evaluated: 2024-08-30. Review status: criteria provided, single submitter. Criteria: ACMG Guidelines, 2015. Collection method: clinical testing. Allele origin: germline.

CeGaT Center for Human Genetics Tuebingen
Classification: Likely benign. Last evaluated: 2024-07-01. Review status: criteria provided, single submitter. Criteria: CeGaT Center For Human Genetics Tuebingen Variant Classification Criteria Version 2. Collection method: clinical testing. Allele origin: germline. Affected: yes. Observed: 1 variant allele.
Comment: DMD: BS2

Ambry Genetics
Classification: Likely benign for Cardiovascular phenotype. Last evaluated: 2019-07-24. Review status: criteria provided, single submitter. Criteria: Ambry Variant Classification Scheme 2023. Collection method: clinical testing. Allele origin: germline.

Mendelics
Classification: Benign for Duchenne muscular dystrophy. Last evaluated: 2019-05-28. Review status: criteria provided, single submitter. Criteria: Mendelics Assertion Criteria 2017. Collection method: clinical testing. Allele origin: unknown.

Women's Health and Genetics/Laboratory Corporation of America, LabCorp
Classification: Benign. Last evaluated: 2019-02-28. Review status: criteria provided, single submitter. Criteria: LabCorp Variant Classification Summary - May 2015. Collection method: clinical testing. Allele origin: germline.
Comment: Variant summary: DMD c.1318G>A (p.Glu440Lys) results in a conservative amino acid change located in the Spectrin/alpha-actinin repeat of the encoded protein sequence. Three of five in-silico tools predict a damaging effect of the variant on protein function. The variant allele was found at a frequency of 0.00043 in 195664 control chromosomes, predominantly at a frequency of 0.0053 within the East Asian subpopulation in the gnomAD database, including 24 hemizygotes. This frequency is significantly higher than expected for a pathogenic variant in DMD causing Dystrophinopathies, strongly suggesting that the variant is a benign polymorphism found primarily in populations of East Asian origin. c.1318G>A has been reported in the literature in a family affected with Becker muscular dystrophy and it was found in cis with a pathogenic variant (DMD deletion of exons 45 to 53) in 3 affected males and 2 female carriers (Li_2012), providing supporting evidence for a benign role. To our knowledge, no experimental evidence demonstrating an impact on protein function has been reported. Two ClinVar submissions from clinical diagnostic laboratories (evaluation after 2014) cite the variant as benign and a submission derived from reference population cites the variant as uncertain significance. Based on the evidence outlined above, the variant was classified as benign.

Eurofins Ntd Llc (ga)
Classification: Benign. Last evaluated: 2016-11-21. Review status: criteria provided, single submitter. Criteria: EGL Classification Definitions 2015. Collection method: clinical testing. Allele origin: germline. Observed: 1 variant allele, 1 hemizygote.

Soonchunhyang University Bucheon Hospital, Soonchunhyang University Medical Center
Classification: Uncertain significance for Becker muscular dystrophy. Last evaluated: 2016-03-18. Review status: criteria provided, single submitter. Criteria: ACMG Guidelines, 2015. Collection method: reference population. Allele origin: germline. Observed: 2 variant alleles.

GeneDx
Classification: Likely benign. Last evaluated: 2014-05-20. Review status: criteria provided, single submitter. Criteria: GeneDx Variant Classification (06012015). Collection method: clinical testing. Allele origin: germline. Affected: yes.
Comment: The variant is found in CARDIOMYOPATHY panel(s).

PreventionGenetics, part of Exact Sciences
Classification: Likely benign. Review status: criteria provided, single submitter. Criteria: ACMG Guidelines, 2015. Collection method: clinical testing. Allele origin: germline.

Natera, Inc.
Classification: Uncertain significance for Dystrophin deficiency. Last evaluated: 2020-04-23. Review status: no assertion criteria provided. Collection method: clinical testing. Allele origin: germline. Not counted in ClinVar's aggregate classification.

CSER _CC_NCGL, University of Washington
Classification: Uncertain significance for Muscular dystrophy, Becker. Last evaluated: 2014-06-01. Review status: no assertion criteria provided. Collection method: research. Allele origin: germline. Inheritance: X-linked inheritance. Study: ESP 6500 variant annotation. Not counted in ClinVar's aggregate classification.
Comment: Variants classified for the Actionable exomic incidental findings in 6503 participants: challenges of variant classification manuscript

Literature cited by the submitters: PubMed 22910583 (cited by 3 submitters); PubMed 25637381 (cited by Ambry Genetics and Women's Health and Genetics/Laboratory Corporation of America, LabCorp); PubMed 28878402 (cited by Women's Health and Genetics/Laboratory Corporation of America, LabCorp).

NM_004006.3(DMD):c.1318G>A (p.Glu440Lys)

Gene: DMD (dystrophin; minus strand). Cytogenetic location: Xp21.1.
Variant type: single nucleotide variant.
Coding change: c.1318G>A on transcript NM_004006.3 (MANE Select); coding-DNA position 1318, G replaced by A.
Protein change: p.Glu440Lys; replaces glutamic acid 440 with lysine.
Molecular consequence: missense variant.
Genome position (GRCh38, 1-based): chrX:32,644,145, C>T on the plus strand (G>A on the coding strand, the complement: DMD is on the minus strand). VCF-style: chrX-32644145-C-T. GRCh37 (hg19) VCF-style: chrX-32662262-C-T.
Other names: p.E440K:GAA>AAA; c.1294G>A, p.Glu432Lys (NM_000109.4); c.1306G>A, p.Glu436Lys (NM_004009.3); c.949G>A, p.Glu317Lys (NM_004010.3); short protein forms E432K, E440K, E317K, E436K.
Identifiers: ClinVar variation 161221 (VCV000161221.50), dbSNP rs189143447, ClinGen allele CA272861.
Genomic context (GRCh38, chrX:32,644,145, plus strand): 5'-TTCCAAAACTTGTTAGTCTTCTTAATTAAAAACAAATAAGGACTTACTTGCTTTGTTTTT[C>T]CATGCTAGCTACCCTGAGGCATTCCCATCTTGAATTTAGGAGATTCATCTGCTCTTGTAC-3'
Protein context (NP_003997.2, residues 430-450): RWECLRVASM[Glu440Lys]KQSNLHRVLM